The following is an entry in ClinVar:

ClinVar aggregate classification (germline): Benign/Likely benign. Review status: criteria provided, multiple submitters, no conflicts (2 of 4 stars). 3 submissions from 3 submitters: Benign (1); Likely benign (2). Last evaluated 2025-12-07.

Conditions:
Retinoblastoma (RB1). Also called: RETINOBLASTOMA, SOMATIC. Identifiers: Orphanet 790, MedGen C0035335, MeSH D012175, MONDO:0008380, OMIM 180200, HP:0009919. Disease mechanism: loss of function. Inheritance: Both sporadic and heritable forms are tested..

Allele frequency attached by ClinVar (database versions not stated): gnomAD below 0.00001 and 0.00002; gnomAD exomes 0.00013; ExAC 0.00054.
gnomAD v4.1: 31 of 1,414,238 alleles (0.0022%); highest among the groups gnomAD compares: South Asian, 0.043%; no homozygotes.

Submissions (3):

Labcorp Genetics (formerly Invitae), Labcorp
Classification: Likely benign for Retinoblastoma. Last evaluated: 2025-12-07. Review status: criteria provided, single submitter. Criteria: Invitae Variant Classification Sherloc (09022015). Collection method: clinical testing. Allele origin: germline.

Blueprint Genetics
Classification: Likely benign. Last evaluated: 2022-11-10. Review status: criteria provided, single submitter. Criteria: ACMG Guidelines, 2015. Collection method: clinical testing. Allele origin: germline.

Illumina Laboratory Services, Illumina
Classification: Benign for Retinoblastoma. Last evaluated: 2018-01-13. Review status: criteria provided, single submitter. Criteria: ICSL Variant Classification Criteria 13 December 2019. Collection method: clinical testing. Allele origin: germline.
Comment: This variant was observed in the ICSL laboratory as part of a predisposition screen in an ostensibly healthy population. It had not been previously curated by ICSL or reported in the Human Gene Mutation Database (HGMD: prior to June 1st, 2018), and was therefore a candidate for classification through an automated scoring system. Utilizing variant allele frequency, disease prevalence and penetrance estimates, and inheritance mode, an automated score was calculated to assess if this variant is too frequent to cause the disease. Based on the score and internal cut-off values, a variant classified as benign is not then subjected to further curation. The score for this variant resulted in a classification of benign for this disease.

NM_000321.3(RB1):c.137+13A>T

Gene: RB1 (RB transcriptional corepressor 1; plus strand). Cytogenetic location: 13q14.2.
Variant type: single nucleotide variant.
Coding change: c.137+13A>T on transcript NM_000321.3 (MANE Select); 13 bases into the intron after coding-DNA position 137, A replaced by T.
Molecular consequence: intron variant.
Genome position (GRCh38, 1-based): chr13:48,304,062, A>T. VCF-style: chr13-48304062-A-T. GRCh37 (hg19) VCF-style: chr13-48878198-A-T.
Identifiers: ClinVar variation 882645 (VCV000882645.12), dbSNP rs762766187, ClinGen allele CA028302.